The following is an entry in ClinVar:

NM_001470.4(GABBR1):c.499C>T (p.Arg167Trp)

Gene: GABBR1 (gamma-aminobutyric acid type B receptor subunit 1; minus strand). Cytogenetic location: 6p22.1.
Variant type: single nucleotide variant.
Coding change: c.499C>T on transcript NM_001470.4 (MANE Select); coding-DNA position 499, C replaced by T.
Protein change: p.Arg167Trp; replaces arginine 167 with tryptophan.
Molecular consequence: missense variant. On other transcripts: 5 prime UTR variant (1).
Genome position (GRCh38, 1-based): chr6:29,627,644, G>A on the plus strand (C>T on the coding strand, the complement: GABBR1 is on the minus strand). VCF-style: chr6-29627644-G-A. GRCh37 (hg19) VCF-style: chr6-29595421-G-A.
Other names: c.-33C>T (NM_001319053.2); c.148C>T, p.Arg50Trp (NM_021903.3); c.313C>T, p.Arg105Trp (NM_021904.4); short protein forms R105W, R167W, R50W.
Identifiers: ClinVar variation 3770038 (VCV003770038.1).

ClinVar aggregate classification (germline): Uncertain significance (1 of 4 stars; one submission).

Submission:

GeneDx
Classification: Uncertain significance. Last evaluated: 2024-09-11. Review status: criteria provided, single submitter. Criteria: GeneDx Variant Classification Process June 2021. Collection method: clinical testing. Allele origin: germline. Affected: yes.
Comment: Not observed at significant frequency in large population cohorts (gnomAD); In silico analysis indicates that this missense variant does not alter protein structure/function; Has not been previously published as pathogenic or benign to our knowledge